The following is an entry in ClinVar:

ClinVar aggregate classification (germline): Pathogenic/Likely pathogenic. Review status: criteria provided, multiple submitters, no conflicts (2 of 4 stars). 3 submissions from 3 submitters: Pathogenic (2); Likely pathogenic (1). Last evaluated 2024-06-30.

Conditions:
PHGDH deficiency. Identifiers: Orphanet 79351, MedGen C1866174, MONDO:0011152, OMIM 601815.
Neu-Laxova syndrome 1 (NLS1). Identifiers: Orphanet 2671, Orphanet 583607, MedGen C4551478, MONDO:0009736, OMIM 256520. Disease mechanism: loss of function.

Allele frequency attached by ClinVar (database versions not stated): TOPMed 0.00001.

Submissions (3):

Natera, Inc.
Classification: Likely pathogenic for Phosphoglycerate dehydrogenase deficiency. Last evaluated: 2024-06-30. Review status: criteria provided, single submitter. Criteria: Natera Variant Classification Schema (03/2026). Collection method: clinical testing. Allele origin: germline.
Comment: The c.1A>G variant in PHGDH is predicted to result in start loss due to disruption of the initiator methionine. This variant is expected to result in nonsense mediated decay, truncation, or a dysfunctional protein product. This variant is rare in the general population with a frequency below the threshold expected for the associated phenotype(s). Given the available evidence, this variant is classified as Likely Pathogenic.

Fulgent Genetics
Classification: Pathogenic for Neu-Laxova syndrome 1; PHGDH deficiency. Last evaluated: 2024-04-29. Review status: criteria provided, single submitter. Criteria: ACMG Guidelines, 2015. Collection method: clinical testing. Allele origin: germline.

Labcorp Genetics (formerly Invitae), Labcorp
Classification: Pathogenic for PHGDH deficiency. Last evaluated: 2023-08-29. Review status: criteria provided, single submitter. Criteria: Invitae Variant Classification Sherloc (09022015). Collection method: clinical testing. Allele origin: germline.
Comment: For these reasons, this variant has been classified as Pathogenic. ClinVar contains an entry for this variant (Variation ID: 1414498). Disruption of the initiator codon has been observed in individual(s) with Neu–Laxova syndrome (PMID: 30838783). It has also been observed to segregate with disease in related individuals. This variant is not present in population databases (gnomAD no frequency). This sequence change affects the initiator methionine of the PHGDH mRNA. The next in-frame methionine is located at codon 96.

Literature cited by the submitters: PubMed 30838783 (cited by Labcorp Genetics (formerly Invitae), Labcorp).

NM_006623.4(PHGDH):c.1A>G (p.Met1Val)

Gene: PHGDH (phosphoglycerate dehydrogenase; plus strand). Cytogenetic location: 1p12.
Variant type: single nucleotide variant.
Coding change: c.1A>G on transcript NM_006623.4 (MANE Select); coding-DNA position 1, A replaced by G.
Protein change: p.Met1Val; changes the start codon (methionine 1).
Molecular consequence: missense variant, initiator codon variant.
Genome position (GRCh38, 1-based): chr1:119,712,023, A>G. VCF-style: chr1-119712023-A-G. GRCh37 (hg19) VCF-style: chr1-120254646-A-G.
Other names: c.1A>G (NM_006623.3); short protein forms M1V.
Identifiers: ClinVar variation 1414498 (VCV001414498.8), dbSNP rs1331155296, ClinGen allele CA341414658.
Genomic context (GRCh38, chr1:119,712,023, plus strand): 5'-GCAGCTTCTTGGCTTAGGTACTTCTACTCACAGCGGCCGATTCCGAGGCCAACTCCAGCA[A>G]TGGCTTTTGCAAATCTGCGGAAAGTGCTCATCAGTGACAGCCTGGACCCTTGCTGCCGGA-3'
Protein context (NP_006614.2, residues 1-11): [Met1Val]AFANLRKVLI